The following is an entry in ClinVar:

ClinVar aggregate classification (germline): Uncertain significance. Review status: criteria provided, multiple submitters, no conflicts (2 of 4 stars). 2 submissions from 2 submitters: Uncertain significance (2). Last evaluated 2024-04-10.

Conditions:
Inborn genetic diseases. Identifiers: MedGen C0950123, MeSH D030342.

Allele frequency attached by ClinVar (database versions not stated): gnomAD 0.00001; TOPMed 0.00002; ExAC 0.00003.
gnomAD v4.1: 17 of 1,613,010 alleles (0.0011%); highest among the groups gnomAD compares: Non-Finnish European, 0.0014%; no homozygotes.

Submissions (2):

GeneDx
Classification: Uncertain significance. Last evaluated: 2024-04-10. Review status: criteria provided, single submitter. Criteria: GeneDx Variant Classification Process June 2021. Collection method: clinical testing. Allele origin: germline. Affected: yes.
Comment: Not observed at significant frequency in large population cohorts (gnomAD); In silico analysis supports that this missense variant has a deleterious effect on protein structure/function; Has not been previously published as pathogenic or benign to our knowledge

Ambry Genetics
Classification: Uncertain significance for Inborn genetic diseases. Last evaluated: 2022-09-26. Review status: criteria provided, single submitter. Criteria: Ambry Variant Classification Scheme 2023. Collection method: clinical testing. Allele origin: germline.

NM_199069.2(NDUFAF3):c.214G>C (p.Gly72Arg)

Genes: NDUFAF3 (NADH:ubiquinone oxidoreductase complex assembly factor 3; plus strand), LOC129936731 (ATAC-STARR-seq lymphoblastoid silent region 14351; plus strand). Cytogenetic location: 3p21.31.
Variant type: single nucleotide variant.
Coding change: c.214G>C on transcript NM_199069.2 (MANE Select); coding-DNA position 214, G replaced by C.
Protein change: p.Gly72Arg; replaces glycine 72 with arginine.
Molecular consequence: missense variant.
Genome position (GRCh38, 1-based): chr3:49,022,482, G>C. VCF-style: chr3-49022482-G-C. GRCh37 (hg19) VCF-style: chr3-49059915-G-C.
Other names: c.43G>C, p.Gly15Arg (NM_199070.2, NM_199073.2, NM_199074.2); short protein forms G15R, G72R.
Identifiers: ClinVar variation 2313288 (VCV002313288.3), dbSNP rs780307456, ClinGen allele CA2390214.